The following is an entry in ClinVar:

NM_006939.4(SOS2):c.2204T>A (p.Ile735Asn)

Gene: SOS2 (SOS Ras/Rho guanine nucleotide exchange factor 2; minus strand). Cytogenetic location: 14q21.3.
Variant type: single nucleotide variant.
Coding change: c.2204T>A on transcript NM_006939.4 (MANE Select); coding-DNA position 2204, T replaced by A.
Protein change: p.Ile735Asn; replaces isoleucine 735 with asparagine.
Molecular consequence: missense variant.
Genome position (GRCh38, 1-based): chr14:50,150,188, A>T on the plus strand (T>A on the coding strand, the complement: SOS2 is on the minus strand). VCF-style: chr14-50150188-A-T. GRCh37 (hg19) VCF-style: chr14-50616906-A-T.
Other names: c.2105T>A, p.Ile702Asn (NM_001411020.1); short protein forms I702N, I735N.
Identifiers: ClinVar variation 1787676 (VCV001787676.2), dbSNP rs2502942926, ClinGen allele CA389643968.

ClinVar aggregate classification (germline): Uncertain significance (1 of 4 stars; one submission).

Conditions:
Cardiovascular phenotype. Identifiers: MedGen CN230736.

Allele frequency attached by ClinVar (database versions not stated): gnomAD exomes below 0.00001.
gnomAD v4.1: 1 of 1,613,400 alleles (0.000062%); highest among the groups gnomAD compares: Non-Finnish European, 0.000085%; no homozygotes.

Submission:

Ambry Genetics
Classification: Uncertain significance for Cardiovascular phenotype. Last evaluated: 2022-04-29. Review status: criteria provided, single submitter. Criteria: Ambry Variant Classification Scheme 2023. Collection method: clinical testing. Allele origin: germline.
Comment: The p.I735N variant (also known as c.2204T>A), located in coding exon 14 of the SOS2 gene, results from a T to A substitution at nucleotide position 2204. The isoleucine at codon 735 is replaced by asparagine, an amino acid with dissimilar properties. This amino acid position is conserved. In addition, the in silico prediction for this alteration is inconclusive. Since supporting evidence is limited at this time, the clinical significance of this alteration remains unclear.